The following is an entry in ClinVar:

ClinVar aggregate classification (germline): Uncertain significance. Review status: criteria provided, multiple submitters, no conflicts (2 of 4 stars). 2 submissions from 2 submitters: Uncertain significance (2). Last evaluated 2025-07-03.

Conditions:
Inborn genetic diseases. Identifiers: MedGen C0950123, MeSH D030342.

gnomAD v4.1: 1 of 1,614,196 alleles (0.000062%); no homozygotes.

Submissions (2):

Labcorp Genetics (formerly Invitae), Labcorp
Classification: Uncertain significance. Last evaluated: 2025-07-03. Review status: criteria provided, single submitter. Criteria: Invitae Variant Classification Sherloc (09022015). Collection method: clinical testing. Allele origin: germline.
Comment: This sequence change replaces glycine, which is neutral and non-polar, with valine, which is neutral and non-polar, at codon 143 of the TNFRSF9 protein (p.Gly143Val). This variant is not present in population databases (gnomAD no frequency). This variant has not been reported in the literature in individuals affected with TNFRSF9-related conditions. ClinVar contains an entry for this variant (Variation ID: 2784998). An algorithm developed to predict the effect of missense changes on protein structure and function (PolyPhen-2) suggests that this variant is likely to be disruptive. Algorithms developed to predict the effect of sequence changes on RNA splicing suggest that this variant may disrupt the consensus splice site. In summary, the available evidence is currently insufficient to determine the role of this variant in disease. Therefore, it has been classified as a Variant of Uncertain Significance.

Ambry Genetics
Classification: Uncertain significance for Inborn genetic diseases. Last evaluated: 2024-05-23. Review status: criteria provided, single submitter. Criteria: Ambry Variant Classification Scheme 2023. Collection method: clinical testing. Allele origin: germline.

NM_001561.6(TNFRSF9):c.428G>T (p.Gly143Val)

Gene: TNFRSF9 (TNF receptor superfamily member 9; minus strand). Cytogenetic location: 1p36.23.
Variant type: single nucleotide variant.
Coding change: c.428G>T on transcript NM_001561.6 (MANE Select); coding-DNA position 428, G replaced by T.
Protein change: p.Gly143Val; replaces glycine 143 with valine.
Molecular consequence: missense variant.
Genome position (GRCh38, 1-based): chr1:7,935,129, C>A on the plus strand (G>T on the coding strand, the complement: TNFRSF9 is on the minus strand). VCF-style: chr1-7935129-C-A. GRCh37 (hg19) VCF-style: chr1-7995189-C-A.
Other names: c.428G>T (NM_001561.5); short protein forms G143V.
Identifiers: ClinVar variation 2784998 (VCV002784998.4), dbSNP rs2527264558, ClinGen allele CA338158635.